The following is an entry in ClinVar:

ClinVar aggregate classification (germline): Uncertain significance (1 of 4 stars; one submission).

Conditions:
Inborn genetic diseases. Identifiers: MedGen C0950123, MeSH D030342.

Submission:

Ambry Genetics
Classification: Uncertain significance for Inborn genetic diseases. Last evaluated: 2025-09-09. Review status: criteria provided, single submitter. Criteria: Ambry Variant Classification Scheme 2023. Collection method: clinical testing. Allele origin: germline.
Comment: The c.5264C>T (p.S1755L) alteration is located in exon 33 (coding exon 32) of the PRPF8 gene. This alteration results from a C to T substitution at nucleotide position 5264, causing the serine (S) at amino acid position 1755 to be replaced by a leucine (L). This variant was not reported in population-based cohorts in the Genome Aggregation Database (gnomAD). This amino acid position is highly conserved in available vertebrate species. This alteration is predicted to be deleterious by in silico analysis. Based on insufficient or conflicting evidence, the clinical significance of this alteration remains unclear.

NM_006445.4(PRPF8):c.5264C>T (p.Ser1755Leu)

Gene: PRPF8 (pre-mRNA processing factor 8; minus strand). Cytogenetic location: 17p13.3.
Variant type: single nucleotide variant.
Coding change: c.5264C>T on transcript NM_006445.4 (MANE Select); coding-DNA position 5264, C replaced by T.
Protein change: p.Ser1755Leu; replaces serine 1755 with leucine.
Molecular consequence: missense variant.
Genome position (GRCh38, 1-based): chr17:1,658,638, G>A on the plus strand (C>T on the coding strand, the complement: PRPF8 is on the minus strand). VCF-style: chr17-1658638-G-A. GRCh37 (hg19) VCF-style: chr17-1561932-G-A.
Other names: short protein forms S1755L.
Identifiers: ClinVar variation 3938571 (VCV003938571.2).